The following is an entry in ClinVar:

ClinVar aggregate classification (germline): Uncertain significance. Review status: criteria provided, multiple submitters, no conflicts (2 of 4 stars). 9 submissions from 9 submitters: Uncertain significance (9). Last evaluated 2026-10-03.

Conditions:
MCM3AP-related disorder. Also called: MCM3AP-related condition.
Peripheral neuropathy, autosomal recessive, with or without impaired intellectual development. Identifiers: MedGen C4748283, MONDO:0029131, OMIM 618124.

Allele frequency attached by ClinVar (database versions not stated): 1000 Genomes Project 0.00020; 1000 Genomes Project 30x 0.00031; gnomAD exomes 0.00074; TOPMed 0.00074; ExAC 0.00076; gnomAD 0.00079 and 0.00081; ESP Exome Variant Server 0.00131.
gnomAD v4.1: 2,523 of 1,613,918 alleles (0.16%); highest among the groups gnomAD compares: Non-Finnish European, 0.21%; 2 homozygotes.

Submissions (9):

GeneDx
Classification: Uncertain significance. Last evaluated: 2026-10-03. Review status: criteria provided, single submitter. Criteria: GeneDx Variant Classification Process June 2021. Collection method: clinical testing. Allele origin: germline.
Comment: In silico analysis suggests that this missense variant does not alter protein structure/function; Has not been previously published as pathogenic or benign to our knowledge

Women's Health and Genetics/Laboratory Corporation of America, LabCorp
Classification: Uncertain significance. Last evaluated: 2026-04-10. Review status: criteria provided, single submitter. Criteria: LabCorp Variant Classification Summary - May 2015. Collection method: clinical testing. Allele origin: germline.
Comment: Variant summary: MCM3AP c.1186G>A (p.Glu396Lys) results in a conservative amino acid change in the encoded protein sequence. Algorithms developed to predict the effect of missense changes on protein structure and function are either unavailable or do not agree on the potential impact of this missense change. The variant allele was found at a frequency of 0.00074 in 251040 control chromosomes. This frequency is not significantly higher than estimated for disease-causing variants in MCM3AP, allowing no conclusion about variant significance. To our knowledge, no occurrence of c.1186G>A in individuals affected with MCM3AP-related conditions and no experimental evidence demonstrating its impact on protein function have been reported. ClinVar contains an entry for this variant (Variation ID: 1419244). Based on the evidence outlined above, the variant was classified as uncertain significance.

Labcorp Genetics (formerly Invitae), Labcorp
Classification: Uncertain significance. Last evaluated: 2026-02-01. Review status: criteria provided, single submitter. Criteria: Invitae Variant Classification Sherloc (09022015). Collection method: clinical testing. Allele origin: germline.
Comment: This sequence change replaces glutamic acid, which is acidic and polar, with lysine, which is basic and polar, at codon 396 of the MCM3AP protein (p.Glu396Lys). This variant is present in population databases (rs118133821, gnomAD 0.1%), and has an allele count higher than expected for a pathogenic variant. This variant has not been reported in the literature in individuals affected with MCM3AP-related conditions. ClinVar contains an entry for this variant (Variation ID: 1419244). An algorithm developed to predict the effect of missense changes on protein structure and function (PolyPhen-2) suggests that this variant is likely to be disruptive. In summary, the available evidence is currently insufficient to determine the role of this variant in disease. Therefore, it has been classified as a Variant of Uncertain Significance.

PreventionGenetics, part of Exact Sciences
Classification: Uncertain significance for MCM3AP-related condition. Last evaluated: 2025-07-29. Review status: criteria provided, single submitter. Criteria: ACMG Guidelines, 2015. Collection method: clinical testing. Allele origin: germline.
Comment: The MCM3AP c.1186G>A variant is predicted to result in the amino acid substitution p.Glu396Lys. To our knowledge, this variant has not been reported in the literature. This variant is reported in 0.14% of alleles in individuals of European (non-Finnish) descent in gnomAD. Although we suspect that this variant may be benign, at this time, the clinical significance of this variant is uncertain due to the absence of conclusive functional and genetic evidence.

Mayo Clinic Laboratories, Mayo Clinic
Classification: Uncertain significance. Last evaluated: 2025-02-22. Review status: criteria provided, single submitter. Criteria: ACMG Guidelines, 2015. Collection method: clinical testing. Allele origin: germline. Observed: 1 variant allele.
Comment: BP4

Fulgent Genetics
Classification: Uncertain significance for Peripheral neuropathy, autosomal recessive, with or without impaired intellectual development. Last evaluated: 2024-01-02. Review status: criteria provided, single submitter. Criteria: ACMG Guidelines, 2015. Collection method: clinical testing. Allele origin: germline.

CeGaT Center for Human Genetics Tuebingen
Classification: Uncertain significance. Last evaluated: 2023-09-01. Review status: criteria provided, single submitter. Criteria: CeGaT Center For Human Genetics Tuebingen Variant Classification Criteria Version 2. Collection method: clinical testing. Allele origin: germline. Affected: yes. Observed: 1 variant allele.

Baylor Genetics
Classification: Uncertain significance for Peripheral neuropathy, autosomal recessive, with or without impaired intellectual development. Last evaluated: 2022-06-29. Review status: criteria provided, single submitter. Criteria: ACMG Guidelines, 2015. Collection method: clinical testing. Allele origin: unknown.

Breakthrough Genomics
Classification: Uncertain significance. Review status: criteria provided, single submitter. Criteria: ACMG Guidelines, 2015. Collection method: not provided. Allele origin: germline. Inheritance: Autosomal dominant inheritance. Affected: yes.

NM_003906.5(MCM3AP):c.1186G>A (p.Glu396Lys)

Gene: MCM3AP (minichromosome maintenance complex component 3 associated protein; minus strand). Cytogenetic location: 21q22.3.
Variant type: single nucleotide variant.
Coding change: c.1186G>A on transcript NM_003906.5 (MANE Select); coding-DNA position 1186, G replaced by A.
Protein change: p.Glu396Lys; replaces glutamic acid 396 with lysine.
Molecular consequence: missense variant.
Genome position (GRCh38, 1-based): chr21:46,284,101, C>T on the plus strand (G>A on the coding strand, the complement: MCM3AP is on the minus strand). VCF-style: chr21-46284101-C-T. GRCh37 (hg19) VCF-style: chr21-47704015-C-T.
Other names: p.Glu396Lys; c.1186G>A (NM_003906.4); short protein forms E396K.
Identifiers: ClinVar variation 1419244 (VCV001419244.34), dbSNP rs118133821, ClinGen allele CA10077173.
Genomic context (GRCh38, chr21:46,284,101, plus strand): 5'-TCTATGTGCTACATTTTCAGAGCTCACCTTCTTTCTTCTCTCTACTTTCAGTTTCTTCCT[C>T]TTTATTCACACCTGGAATCCGGGAAGGTGCCAGGACAGACTGATTCCCTCCTGGGATAGC-3'
Protein context (NP_003897.2, residues 386-406): APSRIPGVNK[Glu396Lys]EETESREKKE